The following is an entry in ClinVar:

NM_001366385.1(CARD14):c.2800A>C (p.Lys934Gln)

Genes: CARD14 (caspase recruitment domain family member 14; plus strand), SGSH (N-sulfoglucosamine sulfohydrolase; minus strand). Cytogenetic location: 17q25.3.
Variant type: single nucleotide variant.
Coding change: c.2800A>C on transcript NM_001366385.1 (MANE Select); coding-DNA position 2800, A replaced by C.
Protein change: p.Lys934Gln; replaces lysine 934 with glutamine.
Molecular consequence: missense variant. On other transcripts: non-coding transcript variant (1).
Genome position (GRCh38, 1-based): chr17:80,207,078, A>C. VCF-style: chr17-80207078-A-C. GRCh37 (hg19) VCF-style: chr17-78180877-A-C.
Other names: c.2800A>C, p.Lys934Gln (NM_024110.4); short protein forms K934Q.
Identifiers: ClinVar variation 1503215 (VCV001503215.8), dbSNP rs2041361762, ClinGen allele CA401357089.
Genomic context (GRCh38, chr17:80,207,078, plus strand): 5'-CACAGGATGGACATCTTCCCCATCGTCATCCACGTCTCTGTCAACGAGAAGATGGCAAAG[A>C]AGCTCAAGTAGGTGCACGCTGGGGGCTGGGCAGGGGCTTCGAAGCGGCTCCTGGGCTCCC-3'
Protein context (NP_001353314.1, residues 924-944): HVSVNEKMAK[Lys934Gln]LKKGLQRLGT

ClinVar aggregate classification (germline): Uncertain significance (1 of 4 stars; one submission).

Conditions:
Psoriasis 2. Identifiers: MedGen C1864497, MONDO:0011269, OMIM 602723.
Pityriasis rubra pilaris (PRP). Also called: Pityriasis rubra pilaris--familial type. Identifiers: Orphanet 2897, MedGen C0032027, MONDO:0100017, OMIM 173200, MONDO:0008251.

Allele frequency attached by ClinVar (database versions not stated): TOPMed below 0.00001; gnomAD 0.00001.
gnomAD v4.1: 1 of 1,612,824 alleles (0.000062%); highest among the groups gnomAD compares: Admixed American, 0.0017%; no homozygotes.

Submission:

Labcorp Genetics (formerly Invitae), Labcorp
Classification: Uncertain significance for Pityriasis rubra pilaris; Psoriasis 2. Last evaluated: 2024-03-01. Review status: criteria provided, single submitter. Criteria: Invitae Variant Classification Sherloc (09022015). Collection method: clinical testing. Allele origin: germline.
Comment: This sequence change replaces lysine, which is basic and polar, with glutamine, which is neutral and polar, at codon 934 of the CARD14 protein (p.Lys934Gln). This variant is not present in population databases (gnomAD no frequency). This variant has not been reported in the literature in individuals affected with CARD14-related conditions. ClinVar contains an entry for this variant (Variation ID: 1503215). Advanced modeling of protein sequence and biophysical properties (such as structural, functional, and spatial information, amino acid conservation, physicochemical variation, residue mobility, and thermodynamic stability) performed at Invitae indicates that this missense variant is expected to disrupt CARD14 protein function with a positive predictive value of 80%. In summary, the available evidence is currently insufficient to determine the role of this variant in disease. Therefore, it has been classified as a Variant of Uncertain Significance.